The following is an entry in ClinVar:

ClinVar aggregate classification (germline): Likely benign. Review status: criteria provided, multiple submitters, no conflicts (2 of 4 stars). 5 submissions from 5 submitters: Likely benign (5). Last evaluated 2026-07-27.

Conditions:
Cardiovascular phenotype. Identifiers: MedGen CN230736.
PKP2-related disorder. Also called: PKP2-related condition.
Cardiomyopathy (CMYO). Also called: Cardiomyopathies. Identifiers: Orphanet 167848, MedGen C0878544, MONDO:0004994, HP:0001638. Inheritance: Various modes of inheritance.
Arrhythmogenic right ventricular dysplasia 9 (ARVD9). Also called: ARRHYTHMOGENIC RIGHT VENTRICULAR DYSPLASIA, FAMILIAL, 9; Arrhythmogenic Right Ventricular Dysplasia/Cardiomyopathy 9. Identifiers: MedGen C1836906, MONDO:0012180, OMIM 609040.

Allele frequency attached by ClinVar (database versions not stated): gnomAD exomes 0.00001 and 0.00005; ExAC 0.00008; ESP Exome Variant Server 0.00015; gnomAD 0.00015; TOPMed 0.00015.
gnomAD v4.1: 43 of 1,614,068 alleles (0.0027%); highest among the groups gnomAD compares: African/African-American, 0.035%; no homozygotes.

Submissions (5):

PreventionGenetics, part of Exact Sciences
Classification: Likely benign for PKP2-related condition. Last evaluated: 2026-07-27. Review status: criteria provided, single submitter. Criteria: ACMG Guidelines, 2015. Collection method: clinical testing. Allele origin: germline.
Comment: This variant is classified as likely benign based on ACMG/AMP sequence variant interpretation guidelines (Richards et al. 2015 PMID: 25741868, with internal and published modifications).

Labcorp Genetics (formerly Invitae), Labcorp
Classification: Likely benign for Arrhythmogenic right ventricular dysplasia 9. Last evaluated: 2025-12-02. Review status: criteria provided, single submitter. Criteria: Invitae Variant Classification Sherloc (09022015). Collection method: clinical testing. Allele origin: germline.

Blueprint Genetics
Classification: Likely benign. Last evaluated: 2024-07-03. Review status: criteria provided, single submitter. Criteria: ACMG Guidelines, 2015. Collection method: clinical testing. Allele origin: germline.

Color Diagnostics, LLC DBA Color Health
Classification: Likely benign for Cardiomyopathy. Last evaluated: 2019-06-03. Review status: criteria provided, single submitter. Criteria: ACMG Guidelines, 2015. Collection method: clinical testing. Allele origin: germline.

Ambry Genetics
Classification: Likely benign for Cardiovascular phenotype. Last evaluated: 2016-11-03. Review status: criteria provided, single submitter. Criteria: Ambry Variant Classification Scheme 2023. Collection method: clinical testing. Allele origin: germline.

NM_001005242.3(PKP2):c.2301C>T (p.Arg767=)

Gene: PKP2 (plakophilin 2; minus strand). Cytogenetic location: 12p11.21.
Variant type: single nucleotide variant.
Coding change: c.2301C>T on transcript NM_001005242.3 (MANE Select); coding-DNA position 2301, C replaced by T.
Protein change: p.Arg767=; no amino-acid change (arginine 767 retained).
Molecular consequence: synonymous variant.
Genome position (GRCh38, 1-based): chr12:32,796,165, G>A on the plus strand (C>T on the coding strand, the complement: PKP2 is on the minus strand). VCF-style: chr12-32796165-G-A. GRCh37 (hg19) VCF-style: chr12-32949099-G-A.
Other names: c.2433C>T, p.Arg811= (NM_004572.4).
Identifiers: ClinVar variation 414016 (VCV000414016.19), dbSNP rs369166666, ClinGen allele CA035160.